The following is an entry in ClinVar:

NC_000010.10:g.(?_117823909)_(119750414_?)dup

Genes: CCDC172 (coiled-coil domain containing 172; plus strand), EMX2 (empty spiracles homeobox 2; plus strand), EMX2OS (EMX2 opposite strand/antisense RNA; minus strand), ENO4 (enolase 4; plus strand), GFRA1 (GDNF family receptor alpha 1; minus strand) and 11 more. Cytogenetic location: 10q25.3-26.11.
Variant type: Duplication.
Identifiers: ClinVar variation 3244903 (VCV003244903.1).

ClinVar aggregate classification (germline): Uncertain significance (1 of 4 stars; one submission).

Conditions:
Microphthalmia, syndromic 11 (MCOPS11). Identifiers: MedGen C3553077, MONDO:0013734, OMIM 614402.

Submission:

Labcorp Genetics (formerly Invitae), Labcorp
Classification: Uncertain significance for Microphthalmia, syndromic 11. Last evaluated: 2024-01-11. Review status: criteria provided, single submitter. Criteria: Invitae Variant Classification Sherloc (09022015). Collection method: clinical testing. Allele origin: unknown.
Comment: A copy number gain of the genomic region encompassing the full coding sequence of the VAX1 gene has been identified. The boundaries of this event are unknown as they extend beyond the assayed region for this gene and therefore may encompass additional genes. As the precise location of this event is unknown, it may be in tandem or it may be located elsewhere in the genome. This variant has not been reported in the literature in individuals affected with VAX1-related conditions. In summary, the available evidence is currently insufficient to determine the role of this variant in disease. Therefore, it has been classified as a Variant of Uncertain Significance.